The following is an entry in ClinVar:

ClinVar aggregate classification (germline): Pathogenic (1 of 4 stars; one submission).

Conditions:
Familial cancer of breast. Also called: Hereditary breast cancer; BREAST CANCER, FAMILIAL; hereditary breast carcinoma. Identifiers: Orphanet 227535, MedGen C0346153, MONDO:0016419, OMIM 114480. Disease mechanism: loss of function.

Submission:

Myriad Genetics, Inc.
Classification: Pathogenic for Familial cancer of breast. Last evaluated: 2023-06-07. Review status: criteria provided, single submitter. Criteria: Myriad Autosomal Dominant, Autosomal Recessive and X-Linked Classification Criteria (2023). Collection method: clinical testing. Allele origin: unknown.
Comment: This variant is considered pathogenic. This variant creates a termination codon and is predicted to result in premature protein truncation.

NM_032043.3(BRIP1):c.2490dup (p.Arg831Ter)

Gene: BRIP1 (BRCA1 interacting DNA helicase 1; minus strand). Cytogenetic location: 17q23.2.
Variant type: Duplication.
Coding change: c.2490dup on transcript NM_032043.3 (MANE Select); coding-DNA position 2490, one base duplicated (T; older notation c.2490dupT).
Protein change: p.Arg831Ter; replaces arginine 831 with a stop codon.
Molecular consequence: nonsense.
Genome position (GRCh38, 1-based): chr17:61,715,953, A duplicated on the plus strand (T on the coding strand, the reverse complement: BRIP1 is on the minus strand). VCF-style (leftmost placement, unchanged base first): chr17-61715952-T-TA. GRCh37 (hg19) VCF-style: chr17-59793313-T-TA.
Other names: short protein forms R831*.
Identifiers: ClinVar variation 2583338 (VCV002583338.2), dbSNP rs2544695896, ClinGen allele CA2582342198.